The following is an entry in ClinVar:

ClinVar aggregate classification (germline): Uncertain significance (1 of 4 stars; one submission).

Conditions:
ATP11A-related disorder. Also called: ATP11A-related condition.

gnomAD v4.1: 8 of 1,367,682 alleles (0.00058%); highest among the groups gnomAD compares: Admixed American, 0.0076%; no homozygotes.

Submission:

PreventionGenetics, part of Exact Sciences
Classification: Uncertain significance for ATP11A-related condition. Last evaluated: 2025-07-18. Review status: criteria provided, single submitter. Criteria: ACMG Guidelines, 2015. Collection method: clinical testing. Allele origin: germline.
Comment: The ATP11A c.3482C>T variant is predicted to result in the amino acid substitution p.Thr1161Met. To our knowledge, this variant has not been reported in the literature. This variant is reported in 0.0085% of alleles in individuals of Latino descent in gnomAD. At this time, the clinical significance of this variant is uncertain due to the absence of conclusive functional and genetic evidence.

NM_015205.3(ATP11A):c.*104C>T

Gene: ATP11A (ATPase phospholipid transporting 11A; plus strand). Cytogenetic location: 13q34.
Variant type: single nucleotide variant.
Coding change: c.*104C>T on transcript NM_015205.3 (MANE Select); 104 bases downstream of the stop codon, C replaced by T.
Molecular consequence: 3 prime UTR variant. On other transcripts: missense variant (3).
Genome position (GRCh38, 1-based): chr13:112,881,970, C>T. VCF-style: chr13-112881970-C-T. GRCh37 (hg19) VCF-style: chr13-113536284-C-T.
Other names: c.3485C>T, p.Thr1162Met (NM_001405661.1); c.3422C>T, p.Thr1141Met (NM_001405662.1); c.*106C>T (NM_001405663.1); c.3482C>T, p.Thr1161Met (NM_032189.4); short protein forms T1161M, T1141M, T1162M.
Identifiers: ClinVar variation 4983469 (VCV004983469.1).
Genomic context (GRCh38, chr13:112,881,970, plus strand): 5'-CCTGGTACAGCTCCCACTCTCAGCAGGTGACACTCGCGGCCTGGAAGGAGAAGGTGTCCA[C>T]GGAGCCCCCACCCATCCTCGGCGGTTCCCATCACCACTGCAGTTCCATCCCAAGTCACAG-3'